The following is an entry in ClinVar:

ClinVar aggregate classification (germline): Uncertain significance (1 of 4 stars; one submission).

Conditions:
Hereditary pheochromocytoma and paraganglioma. Also called: Hereditary paragangliomas and pheochromocytomas; Hereditary Paraganglioma-Pheochromocytoma Syndromes; Hereditary pheochromocytoma-paraganglioma. Identifiers: Orphanet 29072, MedGen C4274332, MONDO:0017366.

Submission:

Labcorp Genetics (formerly Invitae), Labcorp
Classification: Uncertain significance for Hereditary pheochromocytoma and paraganglioma. Last evaluated: 2024-02-13. Review status: criteria provided, single submitter. Criteria: Invitae Variant Classification Sherloc (09022015). Collection method: clinical testing. Allele origin: germline.
Comment: This sequence change replaces arginine, which is basic and polar, with threonine, which is neutral and polar, at codon 17 of the MAX protein (p.Arg17Thr). This variant is not present in population databases (gnomAD no frequency). This variant has not been reported in the literature in individuals affected with MAX-related conditions. An algorithm developed to predict the effect of missense changes on protein structure and function (PolyPhen-2) suggests that this variant is likely to be tolerated. In summary, the available evidence is currently insufficient to determine the role of this variant in disease. Therefore, it has been classified as a Variant of Uncertain Significance.

NM_002382.5(MAX):c.50G>C (p.Arg17Thr)

Gene: MAX (MYC associated transcriptional regulator X; minus strand). Cytogenetic location: 14q23.3.
Variant type: single nucleotide variant.
Coding change: c.50G>C on transcript NM_002382.5 (MANE Select); coding-DNA position 50, G replaced by C.
Protein change: p.Arg17Thr; replaces arginine 17 with threonine.
Molecular consequence: missense variant. On other transcripts: 5 prime UTR variant (4), non-coding transcript variant (7), intron variant (14).
Genome position (GRCh38, 1-based): chr14:65,101,559, C>G on the plus strand (G>C on the coding strand, the complement: MAX is on the minus strand). VCF-style: chr14-65101559-C-G. GRCh37 (hg19) VCF-style: chr14-65568277-C-G.
Other names: c.50G>C, p.Arg17Thr (NM_001407097.1, NM_001407098.1, NM_001407103.1 and 6 more transcripts); c.-225G>C (NM_001407105.1, NM_001407106.1, NM_001320415.2); c.-318G>C (NM_001407111.1); c.73G>C, p.Gly25Arg (NM_001407114.1); c.36+745G>C (NM_001271069.2, NM_001407095.1, NM_001407110.1 and 9 more transcripts); c.-305+950G>C (NM_001407112.1); c.-212+745G>C (NM_001407107.1); short protein forms R17T, G25R.
Identifiers: ClinVar variation 3640511 (VCV003640511.2).